The following is an entry in ClinVar:

NM_002905.5(RDH5):c.880G>C (p.Ala294Pro)

Genes: BLOC1S1-RDH5 (BLOC1S1-RDH5 readthrough; plus strand), CD63 (CD63 molecule; minus strand), RDH5 (retinol dehydrogenase 5; plus strand). Cytogenetic location: 12q13.2.
Variant type: single nucleotide variant.
Coding change: c.880G>C on transcript NM_002905.5 (MANE Select); coding-DNA position 880, G replaced by C.
Protein change: p.Ala294Pro; replaces alanine 294 with proline.
Molecular consequence: missense variant. On other transcripts: non-coding transcript variant (1).
Genome position (GRCh38, 1-based): chr12:55,724,468, G>C. VCF-style: chr12-55724468-G-C. GRCh37 (hg19) VCF-style: chr12-56118252-G-C.
Other names: c.880G>C, p.Ala294Pro (NM_001199771.3); short protein forms A294P.
Identifiers: ClinVar variation 8006 (VCV000008006.15), dbSNP rs111033593, ClinGen allele CA119202.

ClinVar aggregate classification (germline): Pathogenic/Likely pathogenic. Review status: criteria provided, multiple submitters, no conflicts (2 of 4 stars). 5 submissions from 5 submitters: Pathogenic (2); Likely pathogenic (1). 2 of the submissions do not count toward it. Last evaluated 2026-01-27.

Conditions:
RDH5-related disorder. Also called: RDH5-related condition.
Pigmentary retinal dystrophy. Also called: Fundus albipunctatus. Identifiers: Orphanet 227796, Orphanet 52427, MedGen C0311338, MONDO:0007639, OMIM 136880, HP:0030642.
Fundus albipunctatus, autosomal recessive. Identifiers: MedGen C4016746.

Allele frequency attached by ClinVar (database versions not stated): gnomAD 0.00001; gnomAD exomes 0.00001 and 0.00003; TOPMed 0.00002.
gnomAD v4.1: 40 of 1,613,832 alleles (0.0025%); highest among the groups gnomAD compares: Non-Finnish European, 0.0031%; no homozygotes.

Submissions (5):

PreventionGenetics, part of Exact Sciences
Classification: Likely pathogenic for RDH5-related condition. Last evaluated: 2026-01-27. Review status: criteria provided, single submitter. Criteria: ACMG Guidelines, 2015. Collection method: clinical testing. Allele origin: germline.
Comment: The RDH5 c.880G>C variant is predicted to result in the amino acid substitution p.Ala294Pro. This variant has been reported in the compound heterozygous state and apparently homozygous state two individual with fundus albipunctatus (Gonzalez-Fernandez et al. 1999. PubMed ID: 10617778; referred to as p.A294P (c.881G.C) in Schatz et al. 2010. PubMed ID: 20829743). In one family, this variant segregated with a second RDH5 variant in an affected sibling (Gonzalez-Fernandez et al. 1999. PubMed ID: 10617778). This variant has also been reported in an individual with fundus albipunctatus (Supplementary Table 2, Sharon et al. 2019. PubMed ID: 31456290); however, additional information was not provided. This variant is reported in 0.0018% of alleles in individuals of European (Non-Finnish) descent in gnomAD. Functional studies reveal that this variant affects protein function (Lidén et al. 2001. PubMed ID: 11675386). This variant is interpreted as likely pathogenic.

Blueprint Genetics
Classification: Pathogenic for RDH5-related disorders. Last evaluated: 2022-09-01. Review status: criteria provided, single submitter. Criteria: ACMG Guidelines, 2015. Collection method: clinical testing. Allele origin: germline. Affected: yes. Observed: 4 variant alleles.

Labcorp Genetics (formerly Invitae), Labcorp
Classification: Pathogenic. Last evaluated: 2021-09-09. Review status: criteria provided, single submitter. Criteria: Invitae Variant Classification Sherloc (09022015). Collection method: clinical testing. Allele origin: germline.
Comment: This sequence change replaces alanine with proline at codon 294 of the RDH5 protein (p.Ala294Pro). The alanine residue is moderately conserved and there is a small physicochemical difference between alanine and proline. For these reasons, this variant has been classified as Pathogenic. Experimental studies have shown that this missense change affects RDH5 function (PMID: 11675386). Algorithms developed to predict the effect of missense changes on protein structure and function are either unavailable or do not agree on the potential impact of this missense change (SIFT: "Tolerated"; PolyPhen-2: "Possibly Damaging"; Align-GVGD: "Class C0"). ClinVar contains an entry for this variant (Variation ID: 8006). This missense change has been observed in individual(s) with fundus albipunctatus (PMID: 10617778, 20829743). In at least one individual the data is consistent with the variant being in trans (on the opposite chromosome) from a pathogenic variant. It has also been observed to segregate with disease in related individuals. This variant is not present in population databases (ExAC no frequency).

Sharon lab, Hadassah-Hebrew University Medical Center
Classification: Likely pathogenic for Fundus albipunctatus. Last evaluated: 2019-06-23. Review status: no assertion criteria provided. Collection method: research. Allele origin: inherited. Affected: yes. Not counted in ClinVar's aggregate classification.

OMIM
Classification: Pathogenic for FUNDUS ALBIPUNCTATUS, AUTOSOMAL RECESSIVE. Last evaluated: 1999-12-30. Review status: no assertion criteria provided. Collection method: literature only. Allele origin: germline. Not counted in ClinVar's aggregate classification.

Literature cited by the submitters: PubMed 11675386 (cited by Labcorp Genetics (formerly Invitae), Labcorp); PubMed 10617778 (cited by Labcorp Genetics (formerly Invitae), Labcorp and OMIM); PubMed 20829743 (cited by Labcorp Genetics (formerly Invitae), Labcorp).